The following is an entry in ClinVar:

ClinVar aggregate classification (germline): Uncertain significance. Review status: criteria provided, multiple submitters, no conflicts (2 of 4 stars). 2 submissions from 2 submitters: Uncertain significance (2). Last evaluated 2026-07-14.

Conditions:
CFH-related disorder. Also called: CFH-related condition; CFH-related disorders.
Atypical hemolytic-uremic syndrome. Identifiers: Orphanet 2134, MedGen C2931788, MONDO:0016244.

Submissions (2):

PreventionGenetics, part of Exact Sciences
Classification: Uncertain significance for CFH-related condition. Last evaluated: 2026-07-14. Review status: criteria provided, single submitter. Criteria: ACMG Guidelines, 2015. Collection method: clinical testing. Allele origin: germline.
Comment: The CFH c.2758T>C variant is predicted to result in the amino acid substitution p.Trp920Arg. This variant has been reported in an individual with atypical hemolytic uremic syndrome (Valoti et al. 2019. PubMed ID: 31118930). This variant has not been reported in a large population database (gnomAD), indicating this variant is rare. At this time, the clinical significance of this variant is uncertain due to the absence of conclusive functional and genetic evidence.

Genomenon, Inc
Classification: Uncertain significance for Atypical hemolytic-uremic syndrome. Last evaluated: 2025-10-02. Review status: criteria provided, single submitter. Criteria: Genomenon Sequence Variant Interpretation Standards - Updated. Collection method: curation. Allele origin: germline. Affected: yes.
Comment: CFH p.Trp920Arg (c.2758T>C) is a missense variant that changes the amino acid at residue 920 from Tryptophan to Arginine. This variant has been observed in at least one proband affected with atypical hemolytic-uremic syndrome (PMID:31118930). It is absent or not present at a significant frequency in gnomAD. In silico models agree that this variant is possibly or probably damaging. In conclusion, we classify CFH p.Trp920Arg (c.2758T>C) as a variant of uncertain significance.

Literature cited by the submitters: PubMed 31118930 (cited by Genomenon, Inc).

NM_000186.4(CFH):c.2758T>C (p.Trp920Arg)

Gene: CFH (complement factor H; plus strand). Cytogenetic location: 1q31.3.
Variant type: single nucleotide variant.
Coding change: c.2758T>C on transcript NM_000186.4 (MANE Select); coding-DNA position 2758, T replaced by C.
Protein change: p.Trp920Arg; replaces tryptophan 920 with arginine.
Molecular consequence: missense variant.
Genome position (GRCh38, 1-based): chr1:196,737,636, T>C. VCF-style: chr1-196737636-T-C. GRCh37 (hg19) VCF-style: chr1-196706766-T-C.
Other names: short protein forms W920R.
Identifiers: ClinVar variation 4291506 (VCV004291506.2).